The following is an entry in ClinVar:

NM_001032283.3(TMPO):c.565+1590G>A

Gene: TMPO (thymopoietin; plus strand). Cytogenetic location: 12q23.1.
Variant type: single nucleotide variant.
Coding change: c.565+1590G>A on transcript NM_001032283.3 (MANE Select); 1590 bases into the intron after coding-DNA position 565, G replaced by A.
Molecular consequence: intron variant. On other transcripts: missense variant (1).
Genome position (GRCh38, 1-based): chr12:98,533,428, G>A. VCF-style: chr12-98533428-G-A. GRCh37 (hg19) VCF-style: chr12-98927206-G-A.
Other names: c.1171G>A, p.Gly391Ser (NM_003276.2); c.565+1590G>A (NM_001307975.2, NM_001032284.3); short protein forms G391S.
Identifiers: ClinVar variation 2119740 (VCV002119740.4), dbSNP rs2548503632, ClinGen allele CA386152623.

ClinVar aggregate classification (germline): Uncertain significance (1 of 4 stars; one submission).

Conditions:
Loeys-Dietz syndrome 2 (LDS2). Also called: TGFBR2-Related Loeys-Dietz Syndrome; AORTIC ANEURYSM, FAMILIAL THORACIC 3; Marfan Syndrome type 2; Marfan like connective tissue disorder; MFS 2; MARFAN SYNDROME, TYPE II. Identifiers: Orphanet 284973, Orphanet 558, MedGen C2674574, MONDO:0012427, OMIM 610168.

Submission:

Labcorp Genetics (formerly Invitae), Labcorp
Classification: Uncertain significance for Loeys-Dietz syndrome 2. Last evaluated: 2022-03-31. Review status: criteria provided, single submitter. Criteria: Invitae Variant Classification Sherloc (09022015). Collection method: clinical testing. Allele origin: germline.
Comment: This sequence change replaces glycine, which is neutral and non-polar, with serine, which is neutral and polar, at codon 391 of the TMPO protein (p.Gly391Ser). This variant is not present in population databases (gnomAD no frequency). In summary, the available evidence is currently insufficient to determine the role of this variant in disease. Therefore, it has been classified as a Variant of Uncertain Significance. Algorithms developed to predict the effect of missense changes on protein structure and function output the following: SIFT: "Tolerated"; PolyPhen-2: "Benign"; Align-GVGD: "Class C0". The serine amino acid residue is found in multiple mammalian species, which suggests that this missense change does not adversely affect protein function. This variant has not been reported in the literature in individuals affected with TMPO-related conditions.